The following is an entry in ClinVar:

ClinVar aggregate classification (germline): Uncertain significance (1 of 4 stars; one submission).

Submission:

Women's Health and Genetics/Laboratory Corporation of America, LabCorp
Classification: Uncertain significance. Last evaluated: 2025-05-09. Review status: criteria provided, single submitter. Criteria: LabCorp Variant Classification Summary - May 2015. Collection method: clinical testing. Allele origin: germline.
Comment: Variant summary: MMUT c.256C>T (p.Pro86Ser) results in a non-conservative amino acid change in the encoded protein sequence. Algorithms developed to predict the effect of missense changes on protein structure and function all suggest that this variant is likely to be disruptive. The variant allele was found at a frequency of 1.9e-06 in 1614172 control chromosomes. The available data on variant occurrences in the general population are insufficient to allow any conclusion about variant significance. To our knowledge, no occurrence of c.256C>T in individuals affected with Methylmalonic Acidemia and no experimental evidence demonstrating its impact on protein function have been reported. No submitters have cited clinical-significance assessments for this variant to ClinVar. Based on the evidence outlined above, the variant was classified as uncertain significance.

NM_000255.4(MMUT):c.256C>T (p.Pro86Ser)

Gene: MMUT (methylmalonyl-CoA mutase; minus strand). Cytogenetic location: 6p12.3.
Variant type: single nucleotide variant.
Coding change: c.256C>T on transcript NM_000255.4 (MANE Select); coding-DNA position 256, C replaced by T.
Protein change: p.Pro86Ser; replaces proline 86 with serine.
Molecular consequence: missense variant.
Genome position (GRCh38, 1-based): chr6:49,459,211, G>A on the plus strand (C>T on the coding strand, the complement: MMUT is on the minus strand). VCF-style: chr6-49459211-G-A. GRCh37 (hg19) VCF-style: chr6-49426924-G-A.
Other names: short protein forms P86S.
Identifiers: ClinVar variation 3902340 (VCV003902340.1).